The following is an entry in ClinVar:

NM_000182.5(HADHA):c.1916_1919dup (p.Glu641fs)

Genes: GAREM2 (GRB2 associated regulator of MAPK1 subtype 2; plus strand), HADHA (hydroxyacyl-CoA dehydrogenase trifunctional multienzyme complex subunit alpha; minus strand). Cytogenetic location: 2p23.3.
Variant type: Duplication.
Coding change: c.1916_1919dup on transcript NM_000182.5 (MANE Select); coding-DNA positions 1916 to 1919, 4 bases duplicated (ATCA; older notation c.1916_1919dupATCA).
Protein change: p.Glu641fs; shifts the reading frame from glutamic acid 641.
Molecular consequence: frameshift variant.
Genome position (GRCh38, 1-based): chr2:26,192,391-26,192,394, TGAT duplicated on the plus strand (ATCA on the coding strand, the reverse complement: HADHA is on the minus strand). VCF-style (leftmost placement, unchanged base first): chr2-26192390-C-CTGAT. GRCh37 (hg19) VCF-style: chr2-26415259-C-CTGAT.
Other names: c.1919_1920insATCA (NM_000182.5); short protein forms E641fs.
Identifiers: ClinVar variation 203745 (VCV000203745.11), dbSNP rs796051971, ClinGen allele CA312583.

ClinVar aggregate classification (germline): Pathogenic/Likely pathogenic. Review status: criteria provided, multiple submitters, no conflicts (2 of 4 stars). 6 submissions from 6 submitters: Pathogenic (4); Likely pathogenic (2). Last evaluated 2025-09-03.

Conditions:
Mitochondrial trifunctional protein deficiency 1 (MTPD1). Identifiers: MedGen CN376812, MONDO:0958181, OMIM 609015.
Long chain 3-hydroxyacyl-CoA dehydrogenase deficiency. Also called: Deficiency of long-chain 3-hydroxyacyl-coenzyme A dehydrogenase; LCHAD Deficiency. Identifiers: Orphanet 5, MedGen C3711645, MONDO:0012173, OMIM 609016.
Mitochondrial trifunctional protein deficiency. Identifiers: Orphanet 746, MedGen C1969443, MONDO:0012172.

Allele frequency attached by ClinVar (database versions not stated): gnomAD exomes 0.00001 and below 0.00001.

Submissions (6):

Labcorp Genetics (formerly Invitae), Labcorp
Classification: Pathogenic for Mitochondrial trifunctional protein deficiency; Long chain 3-hydroxyacyl-CoA dehydrogenase deficiency. Last evaluated: 2025-09-03. Review status: criteria provided, single submitter. Criteria: Invitae Variant Classification Sherloc (09022015). Collection method: clinical testing. Allele origin: germline.
Comment: This sequence change creates a premature translational stop signal (p.Glu641Serfs*12) in the HADHA gene. It is expected to result in an absent or disrupted protein product. Loss-of-function variants in HADHA are known to be pathogenic (PMID: 7738175, 21103935, 21549624, 22459206). This variant is present in population databases (rs796051971, gnomAD 0.002%). This variant has not been reported in the literature in individuals affected with HADHA-related conditions. ClinVar contains an entry for this variant (Variation ID: 203745). For these reasons, this variant has been classified as Pathogenic.

Fulgent Genetics
Classification: Likely pathogenic for Mitochondrial trifunctional protein deficiency 1; Long chain 3-hydroxyacyl-CoA dehydrogenase deficiency. Last evaluated: 2024-06-24. Review status: criteria provided, single submitter. Criteria: ACMG Guidelines, 2015. Collection method: clinical testing. Allele origin: germline.

Myriad Genetics, Inc.
Classification: Pathogenic for Long chain 3-hydroxyacyl-CoA dehydrogenase deficiency. Last evaluated: 2024-05-08. Review status: criteria provided, single submitter. Criteria: Myriad Autosomal Dominant, Autosomal Recessive and X-Linked Classification Criteria (2023). Collection method: clinical testing. Allele origin: unknown.
Comment: NM_000182.4(HADHA):c.1916_1919dupATCA(E641Sfs*12) is expected to be pathogenic in the context of HADHA-related disorders. This variant is predicted to lead to an abnormal or absent protein product due to the creation of a premature termination codon in HADHA, a gene where loss-of-function variants are known to be pathogenic. Please note: this variant was assessed in the context of healthy population screening.

Baylor Genetics
Classification: Likely pathogenic for Long chain 3-hydroxyacyl-CoA dehydrogenase deficiency. Last evaluated: 2024-01-16. Review status: criteria provided, single submitter. Criteria: ACMG Guidelines, 2015. Collection method: clinical testing. Allele origin: unknown.

Laboratorio de Genetica e Diagnostico Molecular, Hospital Israelita Albert Einstein
Classification: Pathogenic. Last evaluated: 2020-04-23. Review status: criteria provided, single submitter. Criteria: ACMG Guidelines, 2015. Collection method: clinical testing. Allele origin: germline. Affected: yes.
Comment: ACMG classification criteria: PVS1, PS4, PM2

GeneDx
Classification: Pathogenic. Last evaluated: 2013-10-10. Review status: criteria provided, single submitter. Criteria: GeneDx Variant Classification (06012015). Collection method: clinical testing. Allele origin: germline. Affected: yes.
Comment: The c.1916_1919dupATCA the normal sequence with the bases that are duplicated in braces is: ATCT{ATCA}GGAG. This mutation in the HADHA gene causes a frameshift starting with codon Glutamic Acid 641, changes this amino acid to a Serine residue and creates a premature Stop codon at position 12 of the new reading frame, denoted p.Glu641SerfsX12. This mutation is predicted to cause loss of normal protein function either through protein truncation or nonsense-mediated mRNA decay. Although this mutation has not been previously reported to our knowledge, it is expected to be a pathogenic mutation. The variant is found in HADHA panel(s).

Literature cited by the submitters: PubMed 7738175 (cited by Labcorp Genetics (formerly Invitae), Labcorp); PubMed 21103935 (cited by Labcorp Genetics (formerly Invitae), Labcorp); PubMed 21549624 (cited by Labcorp Genetics (formerly Invitae), Labcorp); PubMed 22459206 (cited by Labcorp Genetics (formerly Invitae), Labcorp).